The following is an entry in ClinVar:

NM_000384.3(APOB):c.9448T>C (p.Phe3150Leu)

Gene: APOB (apolipoprotein B; minus strand). Cytogenetic location: 2p24.1.
Variant type: single nucleotide variant.
Coding change: c.9448T>C on transcript NM_000384.3 (MANE Select); coding-DNA position 9448, T replaced by C.
Protein change: p.Phe3150Leu; replaces phenylalanine 3150 with leucine.
Molecular consequence: missense variant.
Genome position (GRCh38, 1-based): chr2:21,007,420, A>G on the plus strand (T>C on the coding strand, the complement: APOB is on the minus strand). VCF-style: chr2-21007420-A-G. GRCh37 (hg19) VCF-style: chr2-21230292-A-G.
Other names: short protein forms F3150L.
Identifiers: ClinVar variation 630605 (VCV000630605.17), dbSNP rs185224477, ClinGen allele CA066541.
Genomic context (GRCh38, chr2:21,007,420, plus strand): 5'-CAAATGATTGCTTTGTCGTTTTCAAGAATTCCTTCAAGCCTGTTTTTTCCCATAGAGAGA[A>G]ATCTTTCAGTGGAGGAGTTGTGATTATTGTGTAAGGTAGACGCATTTCAGGAATTGTTAA-3'
Protein context (NP_000375.3, residues 3140-3160): TIITTPPLKD[Phe3150Leu]SLWEKTGLKE

ClinVar aggregate classification (germline): Conflicting classifications of pathogenicity. Review status: criteria provided, conflicting classifications (1 of 4 stars). 5 submissions from 5 submitters: Uncertain significance (4); Likely benign (1). Last evaluated 2025-10-07.

Conditions:
Hypercholesterolemia, autosomal dominant, type B (FHCL2). Also called: APOB-Related Familial Hypercholesterolemia, Autosomal Dominant; Hyperlipoproteinemia Type IIb; Familial Hypercholesterolemia Type B; APOLIPOPROTEIN B-100, FAMILIAL DEFECTIVE; APOLIPOPROTEIN B-100, FAMILIAL LIGAND-DEFECTIVE; Familial hypercholesterolemia 2. Identifiers: MedGen C1704417, MONDO:0007751, OMIM 144010.
Familial hypobetalipoproteinemia 1. Also called: APOB-Related Familial Hypobetalipoproteinemia; Hypobetalipoproteinemia, normotriglyceridemic; Acanthocytosis with hypobetalipoproteinemia. Identifiers: MedGen C4551990, MONDO:0014252, OMIM 615558.

Allele frequency attached by ClinVar (database versions not stated): gnomAD exomes 0.00001; ExAC 0.00002; gnomAD 0.00005; TOPMed 0.00008; 1000 Genomes Project 30x 0.00016; 1000 Genomes Project 0.00020.

Submissions (5):

Labcorp Genetics (formerly Invitae), Labcorp
Classification: Likely benign for Familial hypobetalipoproteinemia 1; Hypercholesterolemia, autosomal dominant, type B. Last evaluated: 2025-10-07. Review status: criteria provided, single submitter. Criteria: Invitae Variant Classification Sherloc (09022015). Collection method: clinical testing. Allele origin: germline.

New York Genome Center
Classification: Uncertain significance for Familial hypobetalipoproteinemia 1; Hypercholesterolemia, autosomal dominant, type B. Last evaluated: 2022-01-28. Review status: criteria provided, single submitter. Criteria: NYGC Assertion Criteria 2020. Collection method: clinical testing. Allele origin: germline. Observed: 1 variant allele.
Comment: The c.9448T>C (p.Phe3150Leu) variant identified in the APOB gene substitutes a moderately conserved Phenylalanine for Leucine at amino acid 3150/4564 (exon 26/29). This variant is found with low frequency in gnomAD(v3.1.2) (8 heterozygotes, 0 homozygotes; allele frequency: 5.257e-5) suggesting it is not a common benign variant in the populations represented in that database. In silico algorithms predict this variant to be Benign (REVEL; score:0.141) and Tolerated (SIFT; score:0.077) to the function of the canonical transcript. This variant is reported in ClinVar as a Variant of Uncertain Significance (VarID:630605) and has beenreported in a single individual in the literature with familial hypercholesterolemia [PMID:33137929]. Given the lack of compelling evidence for its pathogenicity, thec.9448T>C (p.Phe3150Leu) variant identified in the APOB gene is reported as a Variant of Uncertain Significance.

Revvity Omics, Revvity
Classification: Uncertain significance. Last evaluated: 2021-09-27. Review status: criteria provided, single submitter. Criteria: ACMG Guidelines, 2015. Collection method: clinical testing. Allele origin: germline.

Fulgent Genetics
Classification: Uncertain significance for Hypercholesterolemia, autosomal dominant, type B; Familial hypobetalipoproteinemia 1. Last evaluated: 2021-08-27. Review status: criteria provided, single submitter. Criteria: ACMG Guidelines, 2015. Collection method: clinical testing. Allele origin: unknown.

Quest Diagnostics Nichols Institute San Juan Capistrano
Classification: Uncertain significance. Last evaluated: 2019-05-07. Review status: criteria provided, single submitter. Criteria: Quest Diagnostics criteria. Collection method: clinical testing. Allele origin: unknown.

Literature cited by the submitters: PubMed 30076208 (cited by Quest Diagnostics Nichols Institute San Juan Capistrano); PubMed 33137929 (cited by Quest Diagnostics Nichols Institute San Juan Capistrano).